The following is an entry in ClinVar:

NM_001385641.1(SAMD11):c.903G>T (p.Met301Ile)

Gene: SAMD11 (sterile alpha motif domain containing 11; plus strand). Cytogenetic location: 1p36.33.
Variant type: single nucleotide variant.
Coding change: c.903G>T on transcript NM_001385641.1 (MANE Select); coding-DNA position 903, G replaced by T.
Protein change: p.Met301Ile; replaces methionine 301 with isoleucine.
Molecular consequence: missense variant.
Genome position (GRCh38, 1-based): chr1:935,832, G>T. VCF-style: chr1-935832-G-T. GRCh37 (hg19) VCF-style: chr1-871212-G-T.
Other names: c.903G>T, p.Met301Ile (NM_001385640.1); c.366G>T, p.Met122Ile (NM_152486.4); short protein forms M301I, M122I.
Identifiers: ClinVar variation 1462622 (VCV001462622.8), dbSNP rs1322022106, ClinGen allele CA337797707.

ClinVar aggregate classification (germline): Uncertain significance (1 of 4 stars; one submission).

gnomAD v4.1: 3 of 1,613,394 alleles (0.00019%); highest among the groups gnomAD compares: Non-Finnish European, 0.00025%; no homozygotes.

Submission:

Labcorp Genetics (formerly Invitae), Labcorp
Classification: Uncertain significance. Last evaluated: 2021-02-12. Review status: criteria provided, single submitter. Criteria: Invitae Variant Classification Sherloc (09022015). Collection method: clinical testing. Allele origin: germline.
Comment: In summary, the available evidence is currently insufficient to determine the role of this variant in disease. Therefore, it has been classified as a Variant of Uncertain Significance. Algorithms developed to predict the effect of missense changes on protein structure and function are either unavailable or do not agree on the potential impact of this missense change (SIFT: "Tolerated"; PolyPhen-2: "Possibly Damaging"; Align-GVGD: "Class C0"). This variant has not been reported in the literature in individuals with SAMD11-related conditions. This variant is not present in population databases (ExAC no frequency). This sequence change replaces methionine with isoleucine at codon 122 of the SAMD11 protein (p.Met122Ile). The methionine residue is moderately conserved and there is a small physicochemical difference between methionine and isoleucine.